The following is an entry in ClinVar:

ClinVar aggregate classification (germline): Uncertain significance (1 of 4 stars; one submission).

Conditions:
Ehlers-Danlos syndrome, musculocontractural type 2 (EDSMC2). Identifiers: Orphanet 2953, MedGen C3809845, MONDO:0014236, OMIM 615539.

Submission:

Labcorp Genetics (formerly Invitae), Labcorp
Classification: Uncertain significance for Ehlers-Danlos syndrome, musculocontractural type 2. Last evaluated: 2024-10-06. Review status: criteria provided, single submitter. Criteria: Invitae Variant Classification Sherloc (09022015). Collection method: clinical testing. Allele origin: germline.
Comment: This sequence change replaces aspartic acid, which is acidic and polar, with histidine, which is basic and polar, at codon 93 of the DSE protein (p.Asp93His). This variant is not present in population databases (gnomAD no frequency). This variant has not been reported in the literature in individuals affected with DSE-related conditions. Invitae Evidence Modeling of protein sequence and biophysical properties (such as structural, functional, and spatial information, amino acid conservation, physicochemical variation, residue mobility, and thermodynamic stability) indicates that this missense variant is not expected to disrupt DSE protein function with a negative predictive value of 80%. In summary, the available evidence is currently insufficient to determine the role of this variant in disease. Therefore, it has been classified as a Variant of Uncertain Significance.

NM_013352.4(DSE):c.277G>C (p.Asp93His)

Gene: DSE (dermatan sulfate epimerase; plus strand). Cytogenetic location: 6q22.1.
Variant type: single nucleotide variant.
Coding change: c.277G>C on transcript NM_013352.4 (MANE Select); coding-DNA position 277, G replaced by C.
Protein change: p.Asp93His; replaces aspartic acid 93 with histidine.
Molecular consequence: missense variant. On other transcripts: 5 prime UTR variant (4), non-coding transcript variant (1).
Genome position (GRCh38, 1-based): chr6:116,399,527, G>C. VCF-style: chr6-116399527-G-C. GRCh37 (hg19) VCF-style: chr6-116720690-G-C.
Other names: c.277G>C, p.Asp93His (NM_001080976.3, NM_001322937.2, NM_001322938.2 and 3 more transcripts); c.334G>C, p.Asp112His (NM_001322939.2); c.-281G>C (NM_001322940.2, NM_001322941.2); c.-624G>C (NM_001374520.1); c.-311G>C (NM_001374521.1); short protein forms D93H, D112H.
Identifiers: ClinVar variation 3726986 (VCV003726986.2).